The following is an entry in ClinVar:

ClinVar aggregate classification (germline): Uncertain significance (1 of 4 stars; one submission).

Conditions:
Cardiovascular phenotype. Identifiers: MedGen CN230736.

gnomAD v4.1: 4 of 1,613,104 alleles (0.00025%); highest among the groups gnomAD compares: South Asian, 0.0011%; no homozygotes.

Submission:

Ambry Genetics
Classification: Uncertain significance for Cardiovascular phenotype. Last evaluated: 2025-09-17. Review status: criteria provided, single submitter. Criteria: Ambry Variant Classification Scheme 2023. Collection method: clinical testing. Allele origin: germline.
Comment: The p.A306S variant (also known as c.916G>T), located in coding exon 7 of the GPD1L gene, results from a G to T substitution at nucleotide position 916. The alanine at codon 306 is replaced by serine, an amino acid with similar properties. This amino acid position is conserved. In addition, this alteration is predicted to be tolerated by in silico analysis. Based on the available evidence, the clinical significance of this variant remains unclear.

NM_015141.4(GPD1L):c.916G>T (p.Ala306Ser)

Gene: GPD1L (glycerol-3-phosphate dehydrogenase 1 like; plus strand). Cytogenetic location: 3p22.3.
Variant type: single nucleotide variant.
Coding change: c.916G>T on transcript NM_015141.4 (MANE Select); coding-DNA position 916, G replaced by T.
Protein change: p.Ala306Ser; replaces alanine 306 with serine.
Molecular consequence: missense variant.
Genome position (GRCh38, 1-based): chr3:32,159,631, G>T. VCF-style: chr3-32159631-G-T. GRCh37 (hg19) VCF-style: chr3-32201123-G-T.
Other names: short protein forms A306S.
Identifiers: ClinVar variation 4614250 (VCV004614250.1).